The following is an entry in ClinVar:

ClinVar aggregate classification (germline): Uncertain significance (1 of 4 stars; one submission).

gnomAD v4.1: 10 of 1,613,916 alleles (0.00062%); highest among the groups gnomAD compares: East Asian, 0.0022%; no homozygotes.

Submission:

Labcorp Genetics (formerly Invitae), Labcorp
Classification: Uncertain significance. Last evaluated: 2025-06-10. Review status: criteria provided, single submitter. Criteria: Invitae Variant Classification Sherloc (09022015). Collection method: clinical testing. Allele origin: germline.
Comment: This sequence change replaces arginine, which is basic and polar, with cysteine, which is neutral and slightly polar, at codon 1158 of the KAT6A protein (p.Arg1158Cys). This variant is not present in population databases (gnomAD no frequency). This variant has not been reported in the literature in individuals affected with KAT6A-related conditions. Invitae Evidence Modeling of protein sequence and biophysical properties (such as structural, functional, and spatial information, amino acid conservation, physicochemical variation, residue mobility, and thermodynamic stability) indicates that this missense variant is not expected to disrupt KAT6A protein function with a negative predictive value of 95%. In summary, the available evidence is currently insufficient to determine the role of this variant in disease. Therefore, it has been classified as a Variant of Uncertain Significance.

NM_006766.5(KAT6A):c.3472C>T (p.Arg1158Cys)

Gene: KAT6A (lysine acetyltransferase 6A; minus strand). Cytogenetic location: 8p11.21.
Variant type: single nucleotide variant.
Coding change: c.3472C>T on transcript NM_006766.5 (MANE Select); coding-DNA position 3472, C replaced by T.
Protein change: p.Arg1158Cys; replaces arginine 1158 with cysteine.
Molecular consequence: missense variant.
Genome position (GRCh38, 1-based): chr8:41,934,748, G>A on the plus strand (C>T on the coding strand, the complement: KAT6A is on the minus strand). VCF-style: chr8-41934748-G-A. GRCh37 (hg19) VCF-style: chr8-41792266-G-A.
Other names: short protein forms R1158C.
Identifiers: ClinVar variation 4765194 (VCV004765194.1).